The following is an entry in ClinVar:

ClinVar aggregate classification (germline): Uncertain significance (1 of 4 stars; one submission).

Conditions:
Deficiency of ferroxidase (ACEP). Also called: Aceruloplasminemia; Ceruloplasmin deficiency; Familial apoceruloplasmin deficiency; Hereditary ceruloplasmin deficiency; Deficiency of ceruloplasmin; NEURODEGENERATION WITH BRAIN IRON ACCUMULATION 10. Identifiers: Orphanet 48818, MedGen C0878682, MONDO:0011426, OMIM 604290, HP:0025498.

Submission:

Labcorp Genetics (formerly Invitae), Labcorp
Classification: Uncertain significance for Deficiency of ferroxidase. Last evaluated: 2017-06-15. Review status: criteria provided, single submitter. Criteria: Invitae Variant Classification Sherloc (09022015). Collection method: clinical testing. Allele origin: germline.
Comment: This sequence change replaces glutamic acid with glycine at codon 438 of the CP protein (p.Glu438Gly). The glutamic acid residue is weakly conserved and there is a moderate physicochemical difference between glutamic acid and glycine. This variant is not present in population databases (ExAC no frequency). This variant has not been reported in the literature in individuals with a CP-related disease. Algorithms developed to predict the effect of missense changes on protein structure and function (SIFT, PolyPhen-2, Align-GVGD) all suggest that this variant is likely to be tolerated, but these predictions have not been confirmed by published functional studies and their clinical significance is uncertain. In summary, this variant has uncertain impact on CP function. The available evidence is currently insufficient to determine its role in disease. Therefore, it has been classified as a Variant of Uncertain Significance.

NM_000096.4(CP):c.1313A>G (p.Glu438Gly)

Gene: CP (ceruloplasmin; minus strand). Cytogenetic location: 3q25.1.
Variant type: single nucleotide variant.
Coding change: c.1313A>G on transcript NM_000096.4 (MANE Select); coding-DNA position 1313, A replaced by G.
Protein change: p.Glu438Gly; replaces glutamic acid 438 with glycine.
Molecular consequence: missense variant. On other transcripts: non-coding transcript variant (1).
Genome position (GRCh38, 1-based): chr3:149,202,137, T>C on the plus strand (A>G on the coding strand, the complement: CP is on the minus strand). VCF-style: chr3-149202137-T-C. GRCh37 (hg19) VCF-style: chr3-148919924-T-C.
Other names: short protein forms E438G.
Identifiers: ClinVar variation 463161 (VCV000463161.1), dbSNP rs1553761979, ClinGen allele CA354909823.